The following is an entry in ClinVar:

NM_199355.4(ADAMTS18):c.794C>T (p.Pro265Leu)

Gene: ADAMTS18 (ADAM metallopeptidase with thrombospondin type 1 motif 18; minus strand). Cytogenetic location: 16q23.1.
Variant type: single nucleotide variant.
Coding change: c.794C>T on transcript NM_199355.4 (MANE Select); coding-DNA position 794, C replaced by T.
Protein change: p.Pro265Leu; replaces proline 265 with leucine.
Molecular consequence: missense variant.
Genome position (GRCh38, 1-based): chr16:77,364,366, G>A on the plus strand (C>T on the coding strand, the complement: ADAMTS18 is on the minus strand). VCF-style: chr16-77364366-G-A. GRCh37 (hg19) VCF-style: chr16-77398263-G-A.
Other names: c.278C>T, p.Pro93Leu (NM_001326358.2); short protein forms P93L, P265L.
Identifiers: ClinVar variation 1486159 (VCV001486159.6), dbSNP rs147049816, ClinGen allele CA8181537.

ClinVar aggregate classification (germline): Uncertain significance. Review status: criteria provided, multiple submitters, no conflicts (2 of 4 stars). 2 submissions from 2 submitters: Uncertain significance (2). Last evaluated 2025-11-10.

Allele frequency attached by ClinVar (database versions not stated): gnomAD exomes 0.00001 and 0.00004; ExAC 0.00006; TOPMed 0.00010; gnomAD 0.00011; ESP Exome Variant Server 0.00023.
gnomAD v4.1: 31 of 1,613,560 alleles (0.0019%); highest among the groups gnomAD compares: African/African-American, 0.021%; no homozygotes.

Submissions (2):

Labcorp Genetics (formerly Invitae), Labcorp
Classification: Uncertain significance. Last evaluated: 2025-11-10. Review status: criteria provided, single submitter. Criteria: Invitae Variant Classification Sherloc (09022015). Collection method: clinical testing. Allele origin: germline.
Comment: This sequence change replaces proline, which is neutral and non-polar, with leucine, which is neutral and non-polar, at codon 265 of the ADAMTS18 protein (p.Pro265Leu). This variant is present in population databases (rs147049816, gnomAD 0.04%). This variant has not been reported in the literature in individuals affected with ADAMTS18-related conditions. ClinVar contains an entry for this variant (Variation ID: 1486159). An algorithm developed to predict the effect of missense changes on protein structure and function (PolyPhen-2) suggests that this variant is likely to be tolerated. In summary, the available evidence is currently insufficient to determine the role of this variant in disease. Therefore, it has been classified as a Variant of Uncertain Significance.

Blueprint Genetics
Classification: Uncertain significance. Last evaluated: 2020-11-18. Review status: criteria provided, single submitter. Criteria: ACMG Guidelines, 2015. Collection method: clinical testing. Allele origin: germline.